The following is an entry in ClinVar:

NM_001015877.2(PHF6):c.122C>T (p.Ala41Val)

Gene: PHF6 (PHD finger protein 6; plus strand). Cytogenetic location: Xq26.2.
Variant type: single nucleotide variant.
Coding change: c.122C>T on transcript NM_001015877.2 (MANE Select); coding-DNA position 122, C replaced by T.
Protein change: p.Ala41Val; replaces alanine 41 with valine.
Molecular consequence: missense variant.
Genome position (GRCh38, 1-based): chrX:134,377,739, C>T. VCF-style: chrX-134377739-C-T. GRCh37 (hg19) VCF-style: chrX-133511769-C-T.
Other names: c.122C>T, p.Ala41Val (NM_032335.3, NM_032458.3); short protein forms A41V.
Identifiers: ClinVar variation 1440192 (VCV001440192.8), dbSNP rs760978695, ClinGen allele CA10521138.

ClinVar aggregate classification (germline): Uncertain significance (1 of 4 stars; one submission).

Conditions:
Borjeson-Forssman-Lehmann syndrome (BFLS). Also called: MENTAL RETARDATION, X-LINKED, SYNDROMIC, BORJESON-FORSSMAN-LEHMANN TYPE; MENTAL RETARDATION, EPILEPSY, AND ENDOCRINE DISORDERS; BORJESON SYNDROME. Identifiers: Orphanet 127, MedGen C0265339, MONDO:0010537, OMIM 301900.

Allele frequency attached by ClinVar (database versions not stated): gnomAD exomes below 0.00001 and 0.00001; ExAC 0.00002.
gnomAD v4.1: 1 of 1,208,623 alleles (0.000083%); highest among the groups gnomAD compares: Admixed American, 0.0022%; no homozygotes.

Submission:

Labcorp Genetics (formerly Invitae), Labcorp
Classification: Uncertain significance for Borjeson-Forssman-Lehmann syndrome. Last evaluated: 2024-10-15. Review status: criteria provided, single submitter. Criteria: Invitae Variant Classification Sherloc (09022015). Collection method: clinical testing. Allele origin: germline.
Comment: This sequence change replaces alanine, which is neutral and non-polar, with valine, which is neutral and non-polar, at codon 41 of the PHF6 protein (p.Ala41Val). This variant is present in population databases (rs760978695, gnomAD 0.004%). This variant has not been reported in the literature in individuals affected with PHF6-related conditions. ClinVar contains an entry for this variant (Variation ID: 1440192). Invitae Evidence Modeling of protein sequence and biophysical properties (such as structural, functional, and spatial information, amino acid conservation, physicochemical variation, residue mobility, and thermodynamic stability) indicates that this missense variant is not expected to disrupt PHF6 protein function with a negative predictive value of 80%. In summary, the available evidence is currently insufficient to determine the role of this variant in disease. Therefore, it has been classified as a Variant of Uncertain Significance.